The following is an entry in ClinVar:

NM_001042492.3(NF1):c.1444A>G (p.Thr482Ala)

Gene: NF1 (neurofibromin 1; plus strand). Cytogenetic location: 17q11.2.
Variant type: single nucleotide variant.
Coding change: c.1444A>G on transcript NM_001042492.3 (MANE Select); coding-DNA position 1444, A replaced by G.
Protein change: p.Thr482Ala; replaces threonine 482 with alanine.
Molecular consequence: missense variant.
Genome position (GRCh38, 1-based): chr17:31,214,502, A>G. VCF-style: chr17-31214502-A-G. GRCh37 (hg19) VCF-style: chr17-29541520-A-G.
Other names: c.1444A>G, p.Thr482Ala (NM_000267.4, NM_001128147.3); short protein forms T482A.
Identifiers: ClinVar variation 322569 (VCV000322569.23), dbSNP rs770201871, ClinGen allele CA8485787.

ClinVar aggregate classification (germline): Conflicting classifications of pathogenicity. Review status: criteria provided, conflicting classifications (1 of 4 stars). 10 submissions from 7 submitters: Uncertain significance (9); Benign (1). Last evaluated 2025-12-09.

Conditions:
Diffuse midline glioma, H3 K27-altered. Identifiers: MedGen C5669877, MONDO:1060171.
Hereditary cancer-predisposing syndrome. Also called: Tumor predisposition; Hereditary neoplastic syndrome; Hereditary Cancer Syndrome; Neoplastic Syndromes, Hereditary. Identifiers: Orphanet 140162, MedGen C0027672, MeSH D009386, MONDO:0015356.
Cardiovascular phenotype. Identifiers: MedGen CN230736.
Neurofibromatosis-Noonan syndrome (NFNS). Also called: NEUROFIBROMATOSIS WITH NOONAN PHENOTYPE. Identifiers: Orphanet 638, MedGen C2931482, MONDO:0011035, OMIM 601321. Disease mechanism: loss of function.
Neurofibromatosis, type 1 (NF1). Also called: VON RECKLINGHAUSEN DISEASE; NEUROFIBROMATOSIS, TYPE I, SOMATIC; Peripheral type neurofibromatosis; Neurofibromatosis, type I. Identifiers: Orphanet 636, MedGen C0027831, MONDO:0018975, OMIM 162200. Disease mechanism: loss of function.
Café-au-lait macules with pulmonary stenosis (WTSN). Also called: PULMONIC STENOSIS WITH CAFE-AU-LAIT SPOTS. Identifiers: MedGen C0553586, MONDO:0008672, OMIM 193520.
Neurofibromatosis, familial spinal (FSNF). Identifiers: Orphanet 636, MedGen C1834235, MONDO:0008078, OMIM 162210. Disease mechanism: loss of function.

Allele frequency attached by ClinVar (database versions not stated): gnomAD 0.00001; gnomAD exomes 0.00001 and below 0.00001; TOPMed below 0.00001; ExAC 0.00001.
gnomAD v4.1: 9 of 1,609,438 alleles (0.00056%); highest among the groups gnomAD compares: South Asian, 0.0022%; no homozygotes.

Submissions (10):

Labcorp Genetics (formerly Invitae), Labcorp
Classification: Benign for Neurofibromatosis, type 1. Last evaluated: 2025-12-09. Review status: criteria provided, single submitter. Criteria: Invitae Variant Classification Sherloc (09022015). Collection method: clinical testing. Allele origin: germline.

GeneDx
Classification: Uncertain significance. Last evaluated: 2025-07-03. Review status: criteria provided, single submitter. Criteria: GeneDx Variant Classification Process June 2021. Collection method: clinical testing. Allele origin: germline.
Comment: In silico analysis suggests that this missense variant does not alter protein structure/function; This variant is associated with the following publications: (PMID: 33471991)

Genome-Nilou Lab
Classification: Uncertain significance for Neurofibromatosis, type 1. Last evaluated: 2022-03-15. Review status: criteria provided, single submitter. Criteria: ACMG Guidelines, 2015. Collection method: clinical testing. Allele origin: germline. Affected: no.

Sema4
Classification: Uncertain significance for Hereditary cancer-predisposing syndrome. Last evaluated: 2021-11-15. Review status: criteria provided, single submitter. Criteria: Sema4 Curation Guidelines. Collection method: curation. Allele origin: germline.
Comment: The NF1 c.1444A>G (p.T482A) variant has been reported in 1/60466 breast cancer cases and 2/53461 healthy controls by a large case-control study (PMID: 33471991). This variant was observed in 1/30530 chromosomes in the South Asian population according to the Genome Aggregation Database (PMID: 32461654), and has been reported in ClinVar (Variation ID: 322569). Functional studies have not been performed, and in silico predictions of the variant's effect on protein function are inconclusive. Based on the current evidence available, this variant is interpreted as a variant of uncertain significance.

Ambry Genetics
Classification: Uncertain significance for Cardiovascular phenotype; Hereditary cancer-predisposing syndrome. Last evaluated: 2021-08-06. Review status: criteria provided, single submitter. Criteria: Ambry Variant Classification Scheme 2023. Collection method: clinical testing. Allele origin: germline.

Illumina Laboratory Services, Illumina
Classification: Uncertain significance for Café-au-lait macules with pulmonary stenosis. Last evaluated: 2018-01-12. Review status: criteria provided, single submitter. Criteria: ICSL Variant Classification Criteria 13 December 2019. Collection method: clinical testing. Allele origin: germline.

Illumina Laboratory Services, Illumina
Classification: Uncertain significance for Neurofibromatosis, familial spinal. Last evaluated: 2018-01-12. Review status: criteria provided, single submitter. Criteria: ICSL Variant Classification Criteria 13 December 2019. Collection method: clinical testing. Allele origin: germline.

Illumina Laboratory Services, Illumina
Classification: Uncertain significance for Neurofibromatosis-Noonan syndrome. Last evaluated: 2018-01-12. Review status: criteria provided, single submitter. Criteria: ICSL Variant Classification Criteria 13 December 2019. Collection method: clinical testing. Allele origin: germline.

Illumina Laboratory Services, Illumina
Classification: Uncertain significance for Neurofibromatosis, type 1. Last evaluated: 2018-01-12. Review status: criteria provided, single submitter. Criteria: ICSL Variant Classification Criteria 13 December 2019. Collection method: clinical testing. Allele origin: germline.

Laboratory of Medical Genetics Unit, Bambino Gesù Children's Hospital
Classification: Uncertain significance for Diffuse midline glioma, H3 K27-altered. Review status: criteria provided, single submitter. Criteria: ACMG Guidelines, 2015. Collection method: research. Allele origin: germline. Affected: yes. Observed: 1 heterozygote.

Literature cited by the submitters: PubMed 33471991 (cited by Sema4).